The following is an entry in ClinVar:

ClinVar aggregate classification (germline): Uncertain significance (1 of 4 stars; one submission).

Conditions:
Infantile spasms. Also called: Infantile spasm. Identifiers: MedGen C3887898, HP:0012469.

Submission:

Labcorp Genetics (formerly Invitae), Labcorp
Classification: Uncertain significance for Infantile spasms. Last evaluated: 2025-04-19. Review status: criteria provided, single submitter. Criteria: Invitae Variant Classification Sherloc (09022015). Collection method: clinical testing. Allele origin: germline.
Comment: This sequence change replaces asparagine, which is neutral and polar, with serine, which is neutral and polar, at codon 308 of the PIK3AP1 protein (p.Asn308Ser). This variant is not present in population databases (gnomAD no frequency). This variant has not been reported in the literature in individuals affected with PIK3AP1-related conditions. An algorithm developed to predict the effect of missense changes on protein structure and function (PolyPhen-2) suggests that this variant is likely to be disruptive. In summary, the available evidence is currently insufficient to determine the role of this variant in disease. Therefore, it has been classified as a Variant of Uncertain Significance.

NM_152309.3(PIK3AP1):c.923A>G (p.Asn308Ser)

Gene: PIK3AP1 (phosphoinositide-3-kinase adaptor protein 1; minus strand). Cytogenetic location: 10q24.1.
Variant type: single nucleotide variant.
Coding change: c.923A>G on transcript NM_152309.3 (MANE Select); coding-DNA position 923, A replaced by G.
Protein change: p.Asn308Ser; replaces asparagine 308 with serine.
Molecular consequence: missense variant.
Genome position (GRCh38, 1-based): chr10:96,651,313, T>C on the plus strand (A>G on the coding strand, the complement: PIK3AP1 is on the minus strand). VCF-style: chr10-96651313-T-C. GRCh37 (hg19) VCF-style: chr10-98411070-T-C.
Other names: short protein forms N308S.
Identifiers: ClinVar variation 4717936 (VCV004717936.1).